The following is an entry in ClinVar:

ClinVar aggregate classification (germline): Likely benign (1 of 4 stars; one submission).

gnomAD v4.1: 6 of 1,608,494 alleles (0.00037%); highest among the groups gnomAD compares: Non-Finnish European, 0.00051%; no homozygotes.

Submission:

CeGaT Center for Human Genetics Tuebingen
Classification: Likely benign. Last evaluated: 2025-01-01. Review status: criteria provided, single submitter. Criteria: CeGaT Center For Human Genetics Tuebingen Variant Classification Criteria Version 2. Collection method: clinical testing. Allele origin: germline. Affected: yes. Observed: 1 variant allele.
Comment: RPL7: BP4, BP7

NM_000971.4(RPL7):c.208C>A (p.Arg70=)

Gene: RPL7 (ribosomal protein L7; minus strand). Cytogenetic location: 8q21.11.
Variant type: single nucleotide variant.
Coding change: c.208C>A on transcript NM_000971.4 (MANE Select); coding-DNA position 208, C replaced by A.
Protein change: p.Arg70=; no amino-acid change (arginine 70 retained).
Molecular consequence: synonymous variant.
Genome position (GRCh38, 1-based): chr8:73,292,321, G>T on the plus strand (C>A on the coding strand, the complement: RPL7 is on the minus strand). VCF-style: chr8-73292321-G-T. GRCh37 (hg19) VCF-style: chr8-74204556-G-T.
Other names: c.88C>A, p.Arg30= (NM_001363737.2).
Identifiers: ClinVar variation 3771705 (VCV003771705.13).
Genomic context (GRCh38, chr8:73,292,321, plus strand): 5'-CCAATTTGGGTTCTGCAGGTACATAGAAGTTGCCAGCTTTTCTTGCCATCCTCGCCATTC[G>T]AATTTCAGTTCTGTACATCTGCCTATATTCCTTGTGATAGTGCTTTGCTTTTTCATAGAT-3'
Protein context (NP_000962.2, residues 60-80): EYRQMYRTEI[Arg70=]MARMARKAGN